The following is an entry in ClinVar:

NM_000497.4(CYP11B1):c.1215_1216del (p.Phe406fs)

Genes: CYP11B1 (cytochrome P450 family 11 subfamily B member 1; minus strand), LOC106799833 (CYP11B1 recombination region; plus strand). Cytogenetic location: 8q24.3.
Variant type: Microsatellite.
Coding change: c.1215_1216del on transcript NM_000497.4 (MANE Select); coding-DNA positions 1215 to 1216, 2 bases deleted (GT; older notation c.1215_1216delGT).
Protein change: p.Phe406fs; shifts the reading frame from phenylalanine 406.
Molecular consequence: frameshift variant. On other transcripts: intron variant (1).
Genome position (GRCh38, 1-based): chr8:142,875,139-142,875,140, AC deleted on the plus strand (GT on the coding strand, the reverse complement: CYP11B1 is on the minus strand); deleting any 2 consecutive bases within chr8:142,875,139-142,875,142 gives the same sequence; the c. name uses the placement nearest the transcript's 3' end. VCF-style (leftmost placement, unchanged base first): chr8-142875138-AAC-A. GRCh37 (hg19) VCF-style: chr8-143956554-AAC-A.
Other names: c.1200+94_1200+95del (NM_001026213.1); short protein forms F406fs.
Identifiers: ClinVar variation 2002201 (VCV002002201.4), dbSNP rs2488675647, ClinGen allele CA2580617237.

ClinVar aggregate classification (germline): Pathogenic (1 of 4 stars; one submission).

Submission:

Labcorp Genetics (formerly Invitae), Labcorp
Classification: Pathogenic. Last evaluated: 2022-06-03. Review status: criteria provided, single submitter. Criteria: Invitae Variant Classification Sherloc (09022015). Collection method: clinical testing. Allele origin: germline.
Comment: This sequence change creates a premature translational stop signal (p.Phe406Profs*15) in the CYP11B1 gene. It is expected to result in an absent or disrupted protein product. Loss-of-function variants in CYP11B1 are known to be pathogenic (PMID: 8506298, 26476331). This variant is not present in population databases (gnomAD no frequency). This variant has not been reported in the literature in individuals affected with CYP11B1-related conditions. For these reasons, this variant has been classified as Pathogenic.

Literature cited by the submitters: PubMed 8506298; PubMed 26476331.